The following is an entry in ClinVar:

NC_000015.10:g.84817138A>C

Gene: ALPK3 (alpha kinase 3; plus strand). Cytogenetic location: 15q25.3.
Variant type: single nucleotide variant.
Genome position: GRCh38 VCF-style: chr15-84817138-A-C. GRCh37 (hg19) VCF-style: chr15-85360369-A-C.
Identifiers: ClinVar variation 1329679 (VCV001329679.12), dbSNP rs994681645, ClinGen allele CA273650825.

ClinVar aggregate classification (germline): Likely benign. Review status: criteria provided, multiple submitters, no conflicts (2 of 4 stars). 3 submissions from 3 submitters: Likely benign (3). Last evaluated 2026-01-19.

Conditions:
Cardiovascular phenotype. Identifiers: MedGen CN230736.

Allele frequency attached by ClinVar (database versions not stated): gnomAD 0.00003; TOPMed 0.00003.

Submissions (3):

Labcorp Genetics (formerly Invitae), Labcorp
Classification: Likely benign. Last evaluated: 2026-01-19. Review status: criteria provided, single submitter. Criteria: Invitae Variant Classification Sherloc (09022015). Collection method: clinical testing. Allele origin: germline.

GeneDx
Classification: Likely benign. Last evaluated: 2021-06-23. Review status: criteria provided, single submitter. Criteria: GeneDx Variant Classification Process June 2021. Collection method: clinical testing. Allele origin: germline. Affected: yes.
Comment: This variant is associated with the following publications: (PMID: 27535533)

Ambry Genetics
Classification: Likely benign for Cardiovascular phenotype. Last evaluated: 2019-03-30. Review status: criteria provided, single submitter. Criteria: Ambry Variant Classification Scheme 2023. Collection method: clinical testing. Allele origin: germline.